The following is an entry in ClinVar:

NM_032608.7(MYO18B):c.6911G>T (p.Arg2304Met)

Gene: MYO18B (myosin XVIIIB; plus strand). Cytogenetic location: 22q12.1.
Variant type: single nucleotide variant.
Coding change: c.6911G>T on transcript NM_032608.7 (MANE Select); coding-DNA position 6911, G replaced by T.
Protein change: p.Arg2304Met; replaces arginine 2304 with methionine.
Molecular consequence: missense variant.
Genome position (GRCh38, 1-based): chr22:26,026,885, G>T. VCF-style: chr22-26026885-G-T. GRCh37 (hg19) VCF-style: chr22-26422851-G-T.
Other names: c.6914G>T, p.Arg2305Met (NM_001318245.2); short protein forms R2304M, R2305M.
Identifiers: ClinVar variation 2076951 (VCV002076951.4), dbSNP rs1400705074, ClinGen allele CA411011353.

ClinVar aggregate classification (germline): Uncertain significance (1 of 4 stars; one submission).

Submission:

Labcorp Genetics (formerly Invitae), Labcorp
Classification: Uncertain significance. Last evaluated: 2022-01-21. Review status: criteria provided, single submitter. Criteria: Invitae Variant Classification Sherloc (09022015). Collection method: clinical testing. Allele origin: germline.
Comment: In summary, the available evidence is currently insufficient to determine the role of this variant in disease. Therefore, it has been classified as a Variant of Uncertain Significance. Algorithms developed to predict the effect of missense changes on protein structure and function are either unavailable or do not agree on the potential impact of this missense change (SIFT: "Not Available"; PolyPhen-2: "Possibly Damaging"; Align-GVGD: "Not Available"). This variant has not been reported in the literature in individuals affected with MYO18B-related conditions. This variant is not present in population databases (gnomAD no frequency). This sequence change replaces arginine, which is basic and polar, with methionine, which is neutral and non-polar, at codon 2304 of the MYO18B protein (p.Arg2304Met).